The following is an entry in ClinVar:

ClinVar aggregate classification (germline): Uncertain significance (1 of 4 stars; one submission).

Submission:

GeneDx
Classification: Uncertain significance. Last evaluated: 2025-06-27. Review status: criteria provided, single submitter. Criteria: GeneDx Variant Classification Process June 2021. Collection method: clinical testing. Allele origin: germline. Affected: yes.
Comment: Not observed at significant frequency in large population cohorts (gnomAD); In silico analysis supports that this missense variant has a deleterious effect on protein structure/function; Has not been previously published as pathogenic or benign to our knowledge

NM_006421.5(ARFGEF1):c.1869G>A (p.Met623Ile)

Gene: ARFGEF1 (ARF guanine nucleotide exchange factor 1; minus strand). Cytogenetic location: 8q13.2.
Variant type: single nucleotide variant.
Coding change: c.1869G>A on transcript NM_006421.5 (MANE Select); coding-DNA position 1869, G replaced by A.
Protein change: p.Met623Ile; replaces methionine 623 with isoleucine.
Molecular consequence: missense variant. On other transcripts: non-coding transcript variant (1).
Genome position (GRCh38, 1-based): chr8:67,266,928, C>T on the plus strand (G>A on the coding strand, the complement: ARFGEF1 is on the minus strand). VCF-style: chr8-67266928-C-T. GRCh37 (hg19) VCF-style: chr8-68179163-C-T.
Other names: c.1869G>A, p.Met623Ile (NM_001413184.1, NM_001413185.1, NM_001413186.1 and 7 more transcripts); c.1269G>A, p.Met423Ile (NM_001413188.1, NM_001413193.1, NM_001413197.1); c.444G>A, p.Met148Ile (NM_001413196.1); short protein forms M148I, M423I, M623I.
Identifiers: ClinVar variation 4539894 (VCV004539894.1).